The following is an entry in ClinVar:

ClinVar aggregate classification (germline): Uncertain significance. Review status: criteria provided, multiple submitters, no conflicts (2 of 4 stars). 5 submissions from 4 submitters: Uncertain significance (5). Last evaluated 2024-11-08.

Conditions:
Familial cutaneous telangiectasia and oropharyngeal predisposition cancer syndrome. Identifiers: Orphanet 313846, MedGen C3281203, MONDO:0013806, OMIM 614564.
Inborn genetic diseases. Identifiers: MedGen C0950123, MeSH D030342.
Seckel syndrome 1 (SCKL1). Also called: MICROCEPHALIC PRIMORDIAL DWARFISM I. Identifiers: Orphanet 808, MedGen C4551474, MONDO:0008869, OMIM 210600.

Submissions (5):

GeneDx
Classification: Uncertain significance. Last evaluated: 2024-11-08. Review status: criteria provided, single submitter. Criteria: GeneDx Variant Classification Process June 2021. Collection method: clinical testing. Allele origin: germline. Affected: yes.
Comment: Not observed at significant frequency in large population cohorts (gnomAD); In silico analysis indicates that this missense variant does not alter protein structure/function; Has not been previously published as pathogenic or benign to our knowledge

Ambry Genetics
Classification: Uncertain significance for Inborn genetic diseases. Last evaluated: 2024-08-24. Review status: criteria provided, single submitter. Criteria: Ambry Variant Classification Scheme 2023. Collection method: clinical testing. Allele origin: germline.
Comment: The p.T619I variant (also known as c.1856C>T), located in coding exon 8 of the ATR gene, results from a C to T substitution at nucleotide position 1856. The threonine at codon 619 is replaced by isoleucine, an amino acid with similar properties. This amino acid position is conserved. In addition, this alteration is predicted to be tolerated by in silico analysis. Since supporting evidence is limited at this time, the clinical significance of this alteration remains unclear.

Genome-Nilou Lab
Classification: Uncertain significance for Seckel syndrome 1. Last evaluated: 2023-02-08. Review status: criteria provided, single submitter. Criteria: ACMG Guidelines, 2015. Collection method: clinical testing. Allele origin: germline.

Genome-Nilou Lab
Classification: Uncertain significance for Familial cutaneous telangiectasia and oropharyngeal predisposition cancer syndrome. Last evaluated: 2023-02-08. Review status: criteria provided, single submitter. Criteria: ACMG Guidelines, 2015. Collection method: clinical testing. Allele origin: germline.

Labcorp Genetics (formerly Invitae), Labcorp
Classification: Uncertain significance. Last evaluated: 2021-08-30. Review status: criteria provided, single submitter. Criteria: Invitae Variant Classification Sherloc (09022015). Collection method: clinical testing. Allele origin: germline.
Comment: This sequence change replaces threonine with isoleucine at codon 619 of the ATR protein (p.Thr619Ile). The threonine residue is weakly conserved and there is a moderate physicochemical difference between threonine and isoleucine. This variant is not present in population databases (ExAC no frequency). This variant has not been reported in the literature in individuals affected with ATR-related conditions. Algorithms developed to predict the effect of missense changes on protein structure and function (SIFT, PolyPhen-2, Align-GVGD) all suggest that this variant is likely to be tolerated. In summary, the available evidence is currently insufficient to determine the role of this variant in disease. Therefore, it has been classified as a Variant of Uncertain Significance.

NM_001184.4(ATR):c.1856C>T (p.Thr619Ile)

Gene: ATR (ATR checkpoint kinase; minus strand). Cytogenetic location: 3q23.
Variant type: single nucleotide variant.
Coding change: c.1856C>T on transcript NM_001184.4 (MANE Select); coding-DNA position 1856, C replaced by T.
Protein change: p.Thr619Ile; replaces threonine 619 with isoleucine.
Molecular consequence: missense variant.
Genome position (GRCh38, 1-based): chr3:142,558,653, G>A on the plus strand (C>T on the coding strand, the complement: ATR is on the minus strand). VCF-style: chr3-142558653-G-A. GRCh37 (hg19) VCF-style: chr3-142277495-G-A.
Other names: c.1664C>T, p.Thr555Ile (NM_001354579.2); short protein forms T619I, T555I.
Identifiers: ClinVar variation 1383355 (VCV001383355.9), dbSNP rs2034769700, ClinGen allele CA354820831.
Genomic context (GRCh38, chr3:142,558,653, plus strand): 5'-AAACCACACACACATTCTTGTGAGCACTTACAATAGCTATCTGAAATCCTACAGCTTAAT[G>A]TTAGAAGATTAGCGGCAAATGTGGTCAACTTTAAACAGCCATCATCAGAATGGGAATAAA-3'
Protein context (NP_001175.2, residues 609-629): KLTTFAANLL[Thr619Ile]LSCRISDSYS